The following is an entry in ClinVar:

ClinVar aggregate classification (germline): Pathogenic/Likely pathogenic. Review status: criteria provided, multiple submitters, no conflicts (2 of 4 stars). 2 submissions from 2 submitters: Pathogenic (1); Likely pathogenic (1). Last evaluated 2024-01-03.

Conditions:
Pituitary hormone deficiency, combined, 1 (CPHD1). Also called: Pituitary hormone deficiency, combined or isolated, 1. Identifiers: MedGen C2751608, MONDO:0024464, OMIM 613038.

Submissions (2):

GeneDx
Classification: Pathogenic. Last evaluated: 2024-01-03. Review status: criteria provided, single submitter. Criteria: GeneDx Variant Classification Process June 2021. Collection method: clinical testing. Allele origin: germline. Affected: yes.
Comment: Not observed at significant frequency in large population cohorts (gnomAD); This variant is associated with the following publications: (PMID: 27885216, 36427334)

Juno Genomics, Hangzhou Juno Genomics, Inc
Classification: Likely pathogenic for Pituitary hormone deficiency, combined, 1. Review status: criteria provided, single submitter. Criteria: ACMG Guidelines, 2015. Collection method: clinical testing. Allele origin: germline. Affected: yes.
Comment: Absent from controls (or at extremely low frequency if recessive) in Genome Aggregation Database, Exome Sequencing Project, 1000 Genomes Project, or Exome Aggregation Consortium.;The prevalence of the variant in affected individuals is significantly increased compared to the prevalence in controls.;Well-established in vitro or in vivo functional studies supportive of a damaging effect on the gene or gene product.

NM_000306.4(POU1F1):c.143-83A>G

Gene: POU1F1 (POU class 1 homeobox 1; minus strand). Cytogenetic location: 3p11.2.
Variant type: single nucleotide variant.
Coding change: c.143-83A>G on transcript NM_000306.4 (MANE Select); 83 bases into the intron before coding-DNA position 143, A replaced by G.
Molecular consequence: intron variant.
Genome position (GRCh38, 1-based): chr3:87,273,501, T>C on the plus strand (A>G on the coding strand, the complement: POU1F1 is on the minus strand). VCF-style: chr3-87273501-T-C. GRCh37 (hg19) VCF-style: chr3-87322651-T-C.
Other names: c.143-5A>G (NM_001122757.3).
Identifiers: ClinVar variation 3340314 (VCV003340314.3).
Genomic context (GRCh38, chr3:87,273,501, plus strand): 5'-CGAGAAATGTGTGCACAAACATTTAGGAGTTTGGATCAAAGACAAAATAGATGGGACTGG[T>C]AAGAAAATGTATAAGGATTCAAGACACATTCGTTTTATTTCAAAAATACACATTTATGTG-3'